The following is an entry in ClinVar:

ClinVar aggregate classification (germline): Uncertain significance (1 of 4 stars; one submission).

Allele frequency attached by ClinVar (database versions not stated): gnomAD exomes below 0.00001.
gnomAD v4.1: 7 of 1,613,946 alleles (0.00043%); highest among the groups gnomAD compares: South Asian, 0.0011%; no homozygotes.

Submission:

Labcorp Genetics (formerly Invitae), Labcorp
Classification: Uncertain significance. Last evaluated: 2021-05-11. Review status: criteria provided, single submitter. Criteria: Invitae Variant Classification Sherloc (09022015). Collection method: clinical testing. Allele origin: germline.
Comment: This sequence change replaces tyrosine with cysteine at codon 596 of the SLC24A1 protein (p.Tyr596Cys). The tyrosine residue is highly conserved and there is a large physicochemical difference between tyrosine and cysteine. This variant is not present in population databases (ExAC no frequency). This variant has not been reported in the literature in individuals with SLC24A1-related conditions. Algorithms developed to predict the effect of missense changes on protein structure and function (SIFT, PolyPhen-2, Align-GVGD) all suggest that this variant is likely to be disruptive, but these predictions have not been confirmed by published functional studies and their clinical significance is uncertain. Algorithms developed to predict the effect of sequence changes on RNA splicing suggest that this variant may create or strengthen a splice site, but this prediction has not been confirmed by published transcriptional studies. In summary, the available evidence is currently insufficient to determine the role of this variant in disease. Therefore, it has been classified as a Variant of Uncertain Significance.

NM_004727.3(SLC24A1):c.1787A>G (p.Tyr596Cys)

Gene: SLC24A1 (solute carrier family 24 member 1; plus strand). Cytogenetic location: 15q22.31.
Variant type: single nucleotide variant.
Coding change: c.1787A>G on transcript NM_004727.3 (MANE Select); coding-DNA position 1787, A replaced by G.
Protein change: p.Tyr596Cys; replaces tyrosine 596 with cysteine.
Molecular consequence: missense variant.
Genome position (GRCh38, 1-based): chr15:65,625,867, A>G. VCF-style: chr15-65625867-A-G. GRCh37 (hg19) VCF-style: chr15-65918205-A-G.
Other names: c.1787A>G, p.Tyr596Cys (NM_001301031.1, NM_001301032.1, NM_001301033.2); short protein forms Y596C.
Identifiers: ClinVar variation 1477705 (VCV001477705.8), dbSNP rs1440916067, ClinGen allele CA392918627.
Genomic context (GRCh38, chr15:65,625,867, plus strand): 5'-TCCTGGACAGCCTCATTGCCTGGTGGGAGAGCCTGCTGCTGCTGCTGGCCTATGCCTTCT[A>G]TGTGTTCACCATGAAGTGGAACAAGCATATCGAGGTCTGGGTGAAGGAGCAGCTCAGCAG-3'
Protein context (NP_004718.1, residues 586-606): SLLLLLAYAF[Tyr596Cys]VFTMKWNKHI